The following is an entry in ClinVar:

ClinVar aggregate classification (germline): Uncertain significance (1 of 4 stars; one submission).

Conditions:
Charcot-Marie-Tooth disease axonal type 2S. Also called: CHARCOT-MARIE-TOOTH DISEASE, AXONAL, AUTOSOMAL RECESSIVE, TYPE 2S; CHARCOT-MARIE-TOOTH NEUROPATHY, TYPE 2S. Identifiers: Orphanet 443073, MedGen C4015349, MONDO:0014511, OMIM 616155.
Autosomal recessive distal spinal muscular atrophy 1. Also called: SEVERE INFANTILE AXONAL NEUROPATHY WITH RESPIRATORY FAILURE; SPINAL MUSCULAR ATROPHY, DIAPHRAGMATIC; HMN VI; NEURONOPATHY, SEVERE INFANTILE AXONAL, WITH RESPIRATORY FAILURE; Spinal muscular atrophy with respiratory distress 1; NEURONOPATHY, DISTAL HEREDITARY MOTOR, HARDING TYPE VI. Identifiers: Orphanet 98920, MedGen C1858517, MONDO:0011436, OMIM 604320.

Allele frequency attached by ClinVar (database versions not stated): gnomAD exomes below 0.00001 and 0.00001; ExAC 0.00002; TOPMed 0.00002.
gnomAD v4.1: 6 of 1,613,618 alleles (0.00037%); highest among the groups gnomAD compares: South Asian, 0.0044%; no homozygotes.

Submission:

Labcorp Genetics (formerly Invitae), Labcorp
Classification: Uncertain significance for Autosomal recessive distal spinal muscular atrophy 1; Charcot-Marie-Tooth disease axonal type 2S. Last evaluated: 2021-08-23. Review status: criteria provided, single submitter. Criteria: Invitae Variant Classification Sherloc (09022015). Collection method: clinical testing. Allele origin: germline.
Comment: In summary, the available evidence is currently insufficient to determine the role of this variant in disease. Therefore, it has been classified as a Variant of Uncertain Significance. This sequence change replaces glutamic acid with lysine at codon 366 of the IGHMBP2 protein (p.Glu366Lys). The glutamic acid residue is weakly conserved and there is a small physicochemical difference between glutamic acid and lysine. This variant is present in population databases (rs759014082, ExAC 0.01%). This variant has not been reported in the literature in individuals with IGHMBP2-related disease. Algorithms developed to predict the effect of missense changes on protein structure and function (SIFT, PolyPhen-2, Align-GVGD) all suggest that this variant is likely to be tolerated, but these predictions have not been confirmed by published functional studies and their clinical significance is uncertain.

NM_002180.3(IGHMBP2):c.1096G>A (p.Glu366Lys)

Gene: IGHMBP2 (immunoglobulin mu DNA binding protein 2; plus strand). Cytogenetic location: 11q13.3.
Variant type: single nucleotide variant.
Coding change: c.1096G>A on transcript NM_002180.3 (MANE Select); coding-DNA position 1096, G replaced by A.
Protein change: p.Glu366Lys; replaces glutamic acid 366 with lysine.
Molecular consequence: missense variant.
Genome position (GRCh38, 1-based): chr11:68,929,218, G>A. VCF-style: chr11-68929218-G-A. GRCh37 (hg19) VCF-style: chr11-68696686-G-A.
Other names: short protein forms E366K.
Identifiers: ClinVar variation 644745 (VCV000644745.11), dbSNP rs759014082, ClinGen allele CA6153519.